The following is an entry in ClinVar:

ClinVar aggregate classification (germline): Conflicting classifications of pathogenicity. Review status: criteria provided, conflicting classifications (1 of 4 stars). 2 submissions from 2 submitters: Likely pathogenic (1); Uncertain significance (1). Last evaluated 2025-02-23.

Conditions:
Hereditary cancer-predisposing syndrome. Also called: Hereditary neoplastic syndrome; Neoplastic Syndromes, Hereditary; Tumor predisposition; Hereditary Cancer Syndrome. Identifiers: Orphanet 140162, MedGen C0027672, MeSH D009386, MONDO:0015356.
Ataxia-telangiectasia syndrome (AT). Also called: Ataxia telangiectasia (A-T); LOUIS-BAR SYNDROME; Cerebello-oculocutaneous telangiectasia; Immunodeficiency with ataxia telangiectasia; Ataxia-telangiectasia, complementation group D; AT, COMPLEMENTATION GROUP C. Identifiers: Orphanet 100, MedGen C0004135, MONDO:0008840, OMIM 208900.

Submissions (2):

Labcorp Genetics (formerly Invitae), Labcorp
Classification: Likely pathogenic for Ataxia-telangiectasia syndrome. Last evaluated: 2025-02-23. Review status: criteria provided, single submitter. Criteria: Invitae Variant Classification Sherloc (09022015). Collection method: clinical testing. Allele origin: germline.
Comment: This sequence change replaces aspartic acid, which is acidic and polar, with glycine, which is neutral and non-polar, at codon 2913 of the ATM protein (p.Asp2913Gly). This variant is not present in population databases (gnomAD no frequency). This variant has not been reported in the literature in individuals affected with ATM-related conditions. ClinVar contains an entry for this variant (Variation ID: 1764484). Invitae Evidence Modeling of protein sequence and biophysical properties (such as structural, functional, and spatial information, amino acid conservation, physicochemical variation, residue mobility, and thermodynamic stability) indicates that this missense variant is expected to disrupt ATM protein function with a positive predictive value of 95%. This variant disrupts the p.Asp2913 amino acid residue in ATM. Other variant(s) that disrupt this residue have been determined to be pathogenic (PMID: 21665257, 22071889, 31050087, 33436325). This suggests that this residue is clinically significant, and that variants that disrupt this residue are likely to be disease-causing. In summary, the currently available evidence indicates that the variant is pathogenic, but additional data are needed to prove that conclusively. Therefore, this variant has been classified as Likely Pathogenic.

Ambry Genetics
Classification: Uncertain significance for Hereditary cancer-predisposing syndrome. Last evaluated: 2021-06-02. Review status: criteria provided, single submitter. Criteria: Ambry Variant Classification Scheme 2023. Collection method: clinical testing. Allele origin: germline.
Comment: The p.D2913G variant (also known as c.8738A>G), located in coding exon 59 of the ATM gene, results from an A to G substitution at nucleotide position 8738. The aspartic acid at codon 2913 is replaced by glycine, an amino acid with similar properties. This amino acid position is highly conserved in available vertebrate species. In addition, this alteration is predicted to be deleterious by in silico analysis. Since supporting evidence is limited at this time, the clinical significance of this alteration remains unclear.

Literature cited by the submitters: PubMed 21665257 (cited by Labcorp Genetics (formerly Invitae), Labcorp); PubMed 22071889 (cited by Labcorp Genetics (formerly Invitae), Labcorp); PubMed 31050087 (cited by Labcorp Genetics (formerly Invitae), Labcorp); PubMed 33436325 (cited by Labcorp Genetics (formerly Invitae), Labcorp).

NM_000051.4(ATM):c.8738A>G (p.Asp2913Gly)

Genes: ATM (ATM serine/threonine kinase; plus strand), C11orf65 (chromosome 11 open reading frame 65; minus strand). Cytogenetic location: 11q22.3.
Variant type: single nucleotide variant.
Coding change: c.8738A>G on transcript NM_000051.4 (MANE Select); coding-DNA position 8738, A replaced by G.
Protein change: p.Asp2913Gly; replaces aspartic acid 2913 with glycine.
Molecular consequence: missense variant. On other transcripts: intron variant (2).
Genome position (GRCh38, 1-based): chr11:108,353,832, A>G. VCF-style: chr11-108353832-A-G. GRCh37 (hg19) VCF-style: chr11-108224559-A-G.
Other names: c.8738A>G, p.Asp2913Gly (NM_001351834.2); c.640+32088T>C (NM_001330368.2); c.695-18540T>C (NM_001351110.2); short protein forms D2913G.
Identifiers: ClinVar variation 1764484 (VCV001764484.2), dbSNP rs2547517261, ClinGen allele CA382523954.